The following is an entry in ClinVar:

NM_001370348.2(PHF3):c.794T>C (p.Ile265Thr)

Gene: PHF3 (PHD finger protein 3; plus strand). Cytogenetic location: 6q12.
Variant type: single nucleotide variant.
Coding change: c.794T>C on transcript NM_001370348.2 (MANE Select); coding-DNA position 794, T replaced by C.
Protein change: p.Ile265Thr; replaces isoleucine 265 with threonine.
Molecular consequence: missense variant. On other transcripts: intron variant (1).
Genome position (GRCh38, 1-based): chr6:63,684,516, T>C. VCF-style: chr6-63684516-T-C. GRCh37 (hg19) VCF-style: chr6-64394417-T-C.
Other names: c.530T>C, p.Ile177Thr (NM_001290259.2, NM_001370349.2); c.794T>C, p.Ile265Thr (NM_001290260.2, NM_015153.4); c.-5+4355T>C (NM_001370350.2); short protein forms I177T, I265T.
Identifiers: ClinVar variation 3306150 (VCV003306150.9).

ClinVar aggregate classification (germline): Conflicting classifications of pathogenicity. Review status: criteria provided, conflicting classifications (1 of 4 stars). 2 submissions from 2 submitters: Uncertain significance (1); Likely benign (1). Last evaluated 2025-08-01.

gnomAD v4.1: 91 of 1,613,258 alleles (0.0056%); highest among the groups gnomAD compares: Middle Eastern, 0.049%; no homozygotes.

Submissions (2):

CeGaT Center for Human Genetics Tuebingen
Classification: Likely benign. Last evaluated: 2025-08-01. Review status: criteria provided, single submitter. Criteria: CeGaT Center For Human Genetics Tuebingen Variant Classification Criteria Version 2. Collection method: clinical testing. Allele origin: germline. Affected: yes. Observed: 1 variant allele.
Comment: PHF3: BP4

Ambry Genetics
Classification: Uncertain significance. Last evaluated: 2024-05-26. Review status: criteria provided, single submitter. Criteria: Ambry Variant Classification Scheme 2023. Collection method: clinical testing. Allele origin: germline.